The following is an entry in ClinVar:

ClinVar aggregate classification (germline): Uncertain significance (1 of 4 stars; one submission).

Allele frequency attached by ClinVar (database versions not stated): ExAC 0.00001; gnomAD exomes 0.00001; gnomAD 0.00003; TOPMed 0.00005; 1000 Genomes Project 30x 0.00016; 1000 Genomes Project 0.00020.

Submission:

Labcorp Genetics (formerly Invitae), Labcorp
Classification: Uncertain significance. Last evaluated: 2023-11-28. Review status: criteria provided, single submitter. Criteria: Invitae Variant Classification Sherloc (09022015). Collection method: clinical testing. Allele origin: germline.
Comment: This sequence change falls in intron 6 of the GFM1 gene. It does not directly change the encoded amino acid sequence of the GFM1 protein. It affects a nucleotide within the consensus splice site. This variant is present in population databases (rs538662087, gnomAD 0.01%). This variant has not been reported in the literature in individuals affected with GFM1-related conditions. ClinVar contains an entry for this variant (Variation ID: 2081941). Variants that disrupt the consensus splice site are a relatively common cause of aberrant splicing (PMID: 17576681, 9536098). Algorithms developed to predict the effect of sequence changes on RNA splicing suggest that this variant may disrupt the consensus splice site. In summary, the available evidence is currently insufficient to determine the role of this variant in disease. Therefore, it has been classified as a Variant of Uncertain Significance.

Literature cited by the submitters: PubMed 17576681; PubMed 9536098.

NM_024996.7(GFM1):c.840+4A>G

Gene: GFM1 (G elongation factor mitochondrial 1; plus strand). Cytogenetic location: 3q25.32.
Variant type: single nucleotide variant.
Coding change: c.840+4A>G on transcript NM_024996.7 (MANE Select); 4 bases into the intron after coding-DNA position 840, A replaced by G.
Molecular consequence: intron variant.
Genome position (GRCh38, 1-based): chr3:158,652,250, A>G. VCF-style: chr3-158652250-A-G. GRCh37 (hg19) VCF-style: chr3-158370039-A-G.
Other names: c.897+4A>G (NM_001308164.2, NM_001374355.1); c.615+4A>G (NM_001374357.1); c.723+4A>G (NM_001374356.1); c.273+4A>G (NM_001374359.1, NM_001374360.1); c.156+4A>G (NM_001374361.1); c.381+4A>G (NM_001374358.1); c.840+4A>G (NM_001308166.2).
Identifiers: ClinVar variation 2081941 (VCV002081941.2), dbSNP rs538662087, ClinGen allele CA2682431.